The following is an entry in ClinVar:

NM_006208.3(ENPP1):c.359G>C (p.Cys120Ser)

Gene: ENPP1 (ectonucleotide pyrophosphatase/phosphodiesterase 1; plus strand). Cytogenetic location: 6q23.2.
Variant type: single nucleotide variant.
Coding change: c.359G>C on transcript NM_006208.3 (MANE Select); coding-DNA position 359, G replaced by C.
Protein change: p.Cys120Ser; replaces cysteine 120 with serine.
Molecular consequence: missense variant.
Genome position (GRCh38, 1-based): chr6:131,850,035, G>C. VCF-style: chr6-131850035-G-C. GRCh37 (hg19) VCF-style: chr6-132171175-G-C.
Other names: short protein forms C120S.
Identifiers: ClinVar variation 2430746 (VCV002430746.2), dbSNP rs374379771, ClinGen allele CA4001878.

ClinVar aggregate classification (germline): Likely pathogenic (1 of 4 stars; one submission).

Allele frequency attached by ClinVar (database versions not stated): ESP Exome Variant Server 0.00008; TOPMed below 0.00001; ExAC 0.00001; gnomAD 0.00001; gnomAD exomes below 0.00001.
gnomAD v4.1: 2 of 1,613,958 alleles (0.00012%); highest among the groups gnomAD compares: African/African-American, 0.0027%; no homozygotes.

Submission:

GeneDx
Classification: Likely pathogenic. Last evaluated: 2026-03-20. Review status: criteria provided, single submitter. Criteria: GeneDx Variant Classification Process June 2021. Collection method: clinical testing. Allele origin: germline.
Comment: Not observed at significant frequency in large population cohorts (gnomAD); In silico analysis supports that this missense variant has a deleterious effect on protein structure/function; This variant is associated with the following publications: (PMID: 36156296)